The following is an entry in ClinVar:

ClinVar aggregate classification (germline): Conflicting classifications of pathogenicity. Review status: criteria provided, conflicting classifications (1 of 4 stars). 13 submissions from 12 submitters: Uncertain significance (2); Benign (3); Likely benign (4). 4 of the submissions do not count toward it. Last evaluated 2026-09-01.

Conditions:
SYNE1-related disorder. Also called: SYNE1-related disorders; SYNE1-related disease; SYNE1-related condition.
Autosomal recessive ataxia, Beauce type. Also called: ATAXIA, RECESSIVE, OF BEAUCE; SYNE1-Related Autosomal Recessive Cerebellar Ataxia; Spinocerebellar ataxia, autosomal recessive 8; SYNE1 Deficiency. Identifiers: Orphanet 88644, MedGen C1853116, MONDO:0012549, OMIM 610743.
Emery-Dreifuss muscular dystrophy 4, autosomal dominant (EDMD4). Also called: EMERY-DREIFUSS MUSCULAR DYSTROPHY 4 WITH VARIABLE FEATURES. Identifiers: Orphanet 261, MedGen C2751807, MONDO:0013071, OMIM 612998.

Allele frequency attached by ClinVar (database versions not stated): 1000 Genomes Project 30x 0.00031; 1000 Genomes Project 0.00040; gnomAD 0.00078 and 0.00089; TOPMed 0.00080; gnomAD exomes 0.00082 and 0.00089; ExAC 0.00090; ESP Exome Variant Server 0.00100.
gnomAD v4.1: 1,411 of 1,614,240 alleles (0.087%); highest among the groups gnomAD compares: Non-Finnish European, 0.11%; 2 homozygotes.

Submissions (13):

CeGaT Center for Human Genetics Tuebingen
Classification: Likely benign. Last evaluated: 2026-09-01. Review status: criteria provided, single submitter. Criteria: CeGaT Center For Human Genetics Tuebingen Variant Classification Criteria Version 2. Collection method: clinical testing. Allele origin: germline. Affected: yes. Observed: 10 variant alleles.
Comment: SYNE1: BP4, BP7

Labcorp Genetics (formerly Invitae), Labcorp
Classification: Benign for Emery-Dreifuss muscular dystrophy 4, autosomal dominant; Autosomal recessive ataxia, Beauce type. Last evaluated: 2026-01-14. Review status: criteria provided, single submitter. Criteria: Invitae Variant Classification Sherloc (09022015). Collection method: clinical testing. Allele origin: germline.

Mayo Clinic Laboratories, Mayo Clinic
Classification: Likely benign. Last evaluated: 2025-06-25. Review status: criteria provided, single submitter. Criteria: ACMG Guidelines, 2015. Collection method: clinical testing. Allele origin: germline. Observed: 2 variant alleles.

Blueprint Genetics
Classification: Likely benign. Last evaluated: 2024-11-26. Review status: criteria provided, single submitter. Criteria: ACMG Guidelines, 2015. Collection method: clinical testing. Allele origin: germline.

Athena Diagnostics
Classification: Benign. Last evaluated: 2023-11-16. Review status: criteria provided, single submitter. Criteria: Athena Diagnostics Criteria. Collection method: clinical testing. Allele origin: unknown.

GeneDx
Classification: Likely benign. Last evaluated: 2019-09-11. Review status: criteria provided, single submitter. Criteria: GeneDx Variant Classification Process June 2021. Collection method: clinical testing. Allele origin: germline. Affected: yes.

Eurofins Ntd Llc (ga)
Classification: Uncertain significance. Last evaluated: 2018-06-29. Review status: criteria provided, single submitter. Criteria: EGL ClinVar v180209 classification definitions. Collection method: clinical testing. Allele origin: germline. Observed: 13 variant alleles, 12 heterozygotes.

Illumina Laboratory Services, Illumina
Classification: Uncertain significance for Autosomal recessive ataxia, Beauce type. Last evaluated: 2018-01-12. Review status: criteria provided, single submitter. Criteria: ICSL Variant Classification Criteria 13 December 2019. Collection method: clinical testing. Allele origin: germline.

Illumina Laboratory Services, Illumina
Classification: Benign for Emery-Dreifuss muscular dystrophy 4, autosomal dominant. Last evaluated: 2018-01-12. Review status: criteria provided, single submitter. Criteria: ICSL Variant Classification Criteria 13 December 2019. Collection method: clinical testing. Allele origin: germline.
Comment: This variant was observed in the ICSL laboratory as part of a predisposition screen in an ostensibly healthy population. It had not been previously curated by ICSL or reported in the Human Gene Mutation Database (HGMD: prior to June 1st, 2018), and was therefore a candidate for classification through an automated scoring system. Utilizing variant allele frequency, disease prevalence and penetrance estimates, and inheritance mode, an automated score was calculated to assess if this variant is too frequent to cause the disease. Based on the score and internal cut-off values, a variant classified as benign is not then subjected to further curation. The score for this variant resulted in a classification of benign for this disease.

PreventionGenetics, part of Exact Sciences
Classification: Likely benign for SYNE1-related condition. Last evaluated: 2019-02-21. Review status: no assertion criteria provided. Collection method: clinical testing. Allele origin: germline. Not counted in ClinVar's aggregate classification.
Comment: This variant is classified as likely benign based on ACMG/AMP sequence variant interpretation guidelines (Richards et al. 2015 PMID: 25741868, with internal and published modifications).

Clinical Genetics DNA and cytogenetics Diagnostics Lab, Erasmus MC, Erasmus Medical Center
Classification: Likely benign. Review status: no assertion criteria provided. Collection method: clinical testing. Allele origin: germline. Affected: yes. Study: VKGL Data-share Consensus. Not counted in ClinVar's aggregate classification.

Diagnostic Laboratory, Department of Genetics, University Medical Center Groningen
Classification: Likely benign. Review status: no assertion criteria provided. Collection method: clinical testing. Allele origin: germline. Affected: yes. Study: VKGL Data-share Consensus. Not counted in ClinVar's aggregate classification.

Genome Diagnostics Laboratory, University Medical Center Utrecht
Classification: Likely benign. Review status: no assertion criteria provided. Collection method: clinical testing. Allele origin: germline. Affected: yes. Study: VKGL Data-share Consensus. Not counted in ClinVar's aggregate classification.

NM_182961.4(SYNE1):c.11127A>G (p.Glu3709=)

Gene: SYNE1 (spectrin repeat containing nuclear envelope protein 1; minus strand). Cytogenetic location: 6q25.2.
Variant type: single nucleotide variant.
Coding change: c.11127A>G on transcript NM_182961.4 (MANE Select); coding-DNA position 11127, A replaced by G.
Protein change: p.Glu3709=; no amino-acid change (glutamic acid 3709 retained).
Molecular consequence: synonymous variant.
Genome position (GRCh38, 1-based): chr6:152,353,389, T>C on the plus strand (A>G on the coding strand, the complement: SYNE1 is on the minus strand). VCF-style: chr6-152353389-T-C. GRCh37 (hg19) VCF-style: chr6-152674524-T-C.
Other names: p.Glu3694=; c.11082A>G, p.Glu3694= (NM_033071.5).
Identifiers: ClinVar variation 283693 (VCV000283693.68), dbSNP rs149260051, ClinGen allele CA4056767.